The following is an entry in ClinVar:

ClinVar aggregate classification (germline): Uncertain significance (1 of 4 stars; one submission).

Conditions:
Norman-Roberts syndrome (LIS2). Also called: Lissencephaly 2 (Norman-Roberts type). Identifiers: Orphanet 89844, MedGen C0796089, MONDO:0009760, OMIM 257320.
Familial temporal lobe epilepsy 7. Identifiers: Orphanet 101046, MedGen C4225327, MONDO:0014639, OMIM 616436.

Submission:

Labcorp Genetics (formerly Invitae), Labcorp
Classification: Uncertain significance for Familial temporal lobe epilepsy 7; Norman-Roberts syndrome. Last evaluated: 2020-08-20. Review status: criteria provided, single submitter. Criteria: Invitae Variant Classification Sherloc (09022015). Collection method: clinical testing. Allele origin: germline.
Comment: This sequence change replaces methionine with isoleucine at codon 709 of the RELN protein (p.Met709Ile). The methionine residue is moderately conserved and there is a small physicochemical difference between methionine and isoleucine. This variant is not present in population databases (ExAC no frequency). This variant has not been reported in the literature in individuals with RELN-related conditions. Algorithms developed to predict the effect of missense changes on protein structure and function (SIFT, PolyPhen-2, Align-GVGD) all suggest that this variant is likely to be tolerated, but these predictions have not been confirmed by published functional studies and their clinical significance is uncertain. In summary, the available evidence is currently insufficient to determine the role of this variant in disease. Therefore, it has been classified as a Variant of Uncertain Significance.

NM_005045.4(RELN):c.2127G>A (p.Met709Ile)

Gene: RELN (reelin; minus strand). Cytogenetic location: 7q22.1.
Variant type: single nucleotide variant.
Coding change: c.2127G>A on transcript NM_005045.4 (MANE Select); coding-DNA position 2127, G replaced by A.
Protein change: p.Met709Ile; replaces methionine 709 with isoleucine.
Molecular consequence: missense variant.
Genome position (GRCh38, 1-based): chr7:103,636,411, C>T on the plus strand (G>A on the coding strand, the complement: RELN is on the minus strand). VCF-style: chr7-103636411-C-T. GRCh37 (hg19) VCF-style: chr7-103276858-C-T.
Other names: c.2127G>A, p.Met709Ile (NM_173054.3); short protein forms M709I.
Identifiers: ClinVar variation 1053962 (VCV001053962.9), dbSNP rs2117351623, ClinGen allele CA368762147.
Genomic context (GRCh38, chr7:103,636,411, plus strand): 5'-GATAGAGTAAAAGTTATGGTAAGAGGAGAGCCTGGAACTGCCAAAGCTTTCAGAAATAAA[C>T]ATTGGGAATGTCTGGGATGCCATCTCACAAGCTGGGCCAGAAAATCCAGGGTCACACCTG-3'
Protein context (NP_005036.2, residues 699-719): ACEMASQTFP[Met709Ile]FISESFGSSR